The following is an entry in ClinVar:

NM_000384.3(APOB):c.11906A>G (p.Glu3969Gly)

Gene: APOB (apolipoprotein B; minus strand). Cytogenetic location: 2p24.1.
Variant type: single nucleotide variant.
Coding change: c.11906A>G on transcript NM_000384.3 (MANE Select); coding-DNA position 11906, A replaced by G.
Protein change: p.Glu3969Gly; replaces glutamic acid 3969 with glycine.
Molecular consequence: missense variant.
Genome position (GRCh38, 1-based): chr2:21,004,450, T>C on the plus strand (A>G on the coding strand, the complement: APOB is on the minus strand). VCF-style: chr2-21004450-T-C. GRCh37 (hg19) VCF-style: chr2-21227322-T-C.
Other names: short protein forms E3969G.
Identifiers: ClinVar variation 4992724 (VCV004992724.1).

ClinVar aggregate classification (germline): Uncertain significance (1 of 4 stars; one submission).

Conditions:
APOB-related disorder. Also called: APOB-related condition; APOB-related disorders.

Submission:

PreventionGenetics, part of Exact Sciences
Classification: Uncertain significance for APOB-related condition. Last evaluated: 2025-12-29. Review status: criteria provided, single submitter. Criteria: ACMG Guidelines, 2015. Collection method: clinical testing. Allele origin: germline.
Comment: The APOB c.11906A>G variant is predicted to result in the amino acid substitution p.Glu3969Gly. To our knowledge, this variant has not been reported in the literature or in a large population database (gnomAD), indicating this variant is rare. At this time, the clinical significance of this variant is uncertain due to the absence of conclusive functional and genetic evidence.